The following is an entry in ClinVar:

NM_000264.5(PTCH1):c.895C>T (p.Pro299Ser)

Gene: PTCH1 (patched 1; minus strand). Cytogenetic location: 9q22.32.
Variant type: single nucleotide variant.
Coding change: c.895C>T on transcript NM_000264.5 (MANE Select); coding-DNA position 895, C replaced by T.
Protein change: p.Pro299Ser; replaces proline 299 with serine.
Molecular consequence: missense variant. On other transcripts: non-coding transcript variant (1).
Genome position (GRCh38, 1-based): chr9:95,480,440, G>A on the plus strand (C>T on the coding strand, the complement: PTCH1 is on the minus strand). VCF-style: chr9-95480440-G-A. GRCh37 (hg19) VCF-style: chr9-98242722-G-A.
Other names: c.697C>T, p.Pro233Ser (NM_001083602.3); c.892C>T, p.Pro298Ser (NM_001083603.3); c.442C>T, p.Pro148Ser (NM_001083604.3, NM_001083605.3, NM_001083606.3 and 1 more transcripts); c.895C>T, p.Pro299Ser (NM_001354918.2); c.895C>T (NM_000264.4); short protein forms P233S, P299S, P298S, P148S.
Identifiers: ClinVar variation 237504 (VCV000237504.14), dbSNP rs745669231, ClinGen allele CA5138827.
Genomic context (GRCh38, chr9:95,480,440, plus strand): 5'-TGGTACTCACTTTGGTTGAATTTTTGTTGGGGGCTGTGGCGGGGCAGTCTGGATCGGCCG[G>A]ATTGAGGCAGGGGCGGTCCATGTAACCATGACCAACCTCAGCCTTATTCAGCATTTCCTC-3'
Protein context (NP_000255.2, residues 289-309): HGYMDRPCLN[Pro299Ser]ADPDCPATAP

ClinVar aggregate classification (germline): Conflicting classifications of pathogenicity. Review status: criteria provided, conflicting classifications (1 of 4 stars). 3 submissions from 3 submitters: Uncertain significance (2); Likely benign (1). Last evaluated 2025-10-18.

Conditions:
Hereditary cancer-predisposing syndrome. Also called: Tumor predisposition; Hereditary Cancer Syndrome; Hereditary neoplastic syndrome; Neoplastic Syndromes, Hereditary. Identifiers: Orphanet 140162, MedGen C0027672, MeSH D009386, MONDO:0015356.
Gorlin syndrome. Also called: Nevoid Basal Cell Carcinoma Syndrome; Basal cell nevus syndrome. Identifiers: Orphanet 377, MedGen C0004779, MONDO:0007187.

Allele frequency attached by ClinVar (database versions not stated): gnomAD exomes 0.00001; ExAC 0.00002.
gnomAD v4.1: 10 of 1,611,632 alleles (0.00062%); highest among the groups gnomAD compares: South Asian, 0.0066%; no homozygotes.

Submissions (3):

Labcorp Genetics (formerly Invitae), Labcorp
Classification: Likely benign for Gorlin syndrome. Last evaluated: 2025-10-18. Review status: criteria provided, single submitter. Criteria: Invitae Variant Classification Sherloc (09022015). Collection method: clinical testing. Allele origin: germline.

Quest Diagnostics Nichols Institute San Juan Capistrano
Classification: Uncertain significance. Last evaluated: 2025-04-08. Review status: criteria provided, single submitter. Criteria: Quest Diagnostics criteria. Collection method: clinical testing. Allele origin: unknown.
Comment: The PTCH1 c.895C>T (p.Pro299Ser) variant has not been reported in individuals with PTCH1-related conditions in the published literature. The frequency of this variant in the general population (Genome Aggregation Database) is uninformative in the assessment of its pathogenicity. Analysis of this variant using a bioinformatics tool for the prediction of the effect of amino acid changes on protein structure and function yielded a prediction that this variant is damaging. Based on the available information, we are unable to determine the clinical significance of this variant.

Ambry Genetics
Classification: Uncertain significance for Hereditary cancer-predisposing syndrome. Last evaluated: 2024-10-04. Review status: criteria provided, single submitter. Criteria: Ambry Variant Classification Scheme 2023. Collection method: clinical testing. Allele origin: germline.
Comment: The p.P299S variant (also known as c.895C>T), located in coding exon 6 of the PTCH1 gene, results from a C to T substitution at nucleotide position 895. The proline at codon 299 is replaced by serine, an amino acid with similar properties. This amino acid position is highly conserved in available vertebrate species. In addition, this alteration is predicted to be deleterious by in silico analysis. Since supporting evidence is limited at this time, the clinical significance of this alteration remains unclear.

Literature cited by the submitters: PubMed 8681379 (cited by Ambry Genetics).